The following is an entry in ClinVar:

NM_001018115.3(FANCD2):c.807G>C (p.Lys269Asn)

Genes: FANCD2 (FA complementation group D2; plus strand), LOC107303338 (3p25 FANCD2 Alu-mediated recombination region; plus strand). Cytogenetic location: 3p25.3.
Variant type: single nucleotide variant.
Coding change: c.807G>C on transcript NM_001018115.3 (MANE Select); coding-DNA position 807, G replaced by C.
Protein change: p.Lys269Asn; replaces lysine 269 with asparagine.
Molecular consequence: missense variant.
Genome position (GRCh38, 1-based): chr3:10,042,582, G>C. VCF-style: chr3-10042582-G-C. GRCh37 (hg19) VCF-style: chr3-10084266-G-C.
Other names: c.807G>C, p.Lys269Asn (NM_001319984.2, NM_001374253.1, NM_001374254.1 and 1 more transcripts); short protein forms K269N.
Identifiers: ClinVar variation 2198485 (VCV002198485.4), dbSNP rs2470753428, ClinGen allele CA351728239.

ClinVar aggregate classification (germline): Uncertain significance (1 of 4 stars; one submission).

Conditions:
Fanconi anemia (FA). Also called: Fanconi's anemia. Identifiers: Orphanet 84, MedGen C0015625, MeSH D005199, MONDO:0019391.

Submission:

Labcorp Genetics (formerly Invitae), Labcorp
Classification: Uncertain significance for Fanconi anemia. Last evaluated: 2022-10-21. Review status: criteria provided, single submitter. Criteria: Invitae Variant Classification Sherloc (09022015). Collection method: clinical testing. Allele origin: germline.
Comment: This sequence change replaces lysine, which is basic and polar, with asparagine, which is neutral and polar, at codon 269 of the FANCD2 protein (p.Lys269Asn). This variant is not present in population databases (gnomAD no frequency). This variant has not been reported in the literature in individuals affected with FANCD2-related conditions. Advanced modeling of protein sequence and biophysical properties (such as structural, functional, and spatial information, amino acid conservation, physicochemical variation, residue mobility, and thermodynamic stability) performed at Invitae indicates that this missense variant is not expected to disrupt FANCD2 protein function. In summary, the available evidence is currently insufficient to determine the role of this variant in disease. Therefore, it has been classified as a Variant of Uncertain Significance.